The following is an entry in ClinVar:

ClinVar aggregate classification (germline): Uncertain significance (1 of 4 stars; one submission).

Submission:

GeneDx
Classification: Uncertain significance. Last evaluated: 2023-02-28. Review status: criteria provided, single submitter. Criteria: GeneDx Variant Classification Process June 2021. Collection method: clinical testing. Allele origin: germline. Affected: yes.
Comment: Not observed at significant frequency in large population cohorts (gnomAD); In silico analysis supports that this missense variant has a deleterious effect on protein structure/function; Has not been previously published as pathogenic or benign to our knowledge

NM_001385012.1(NBEA):c.8875T>C (p.Trp2959Arg)

Gene: NBEA (neurobeachin; plus strand). Cytogenetic location: 13q13.3.
Variant type: single nucleotide variant.
Coding change: c.8875T>C on transcript NM_001385012.1 (MANE Select); coding-DNA position 8875, T replaced by C.
Protein change: p.Trp2959Arg; replaces tryptophan 2959 with arginine.
Molecular consequence: missense variant.
Genome position (GRCh38, 1-based): chr13:35,670,962, T>C. VCF-style: chr13-35670962-T-C. GRCh37 (hg19) VCF-style: chr13-36245099-T-C.
Other names: c.2191T>C, p.Trp731Arg (NM_001204197.3); c.8866T>C, p.Trp2956Arg (NM_001379245.1); c.8812T>C, p.Trp2938Arg (NM_015678.5); short protein forms W2938R, W2956R, W2959R, W731R.
Identifiers: ClinVar variation 2578215 (VCV002578215.1), dbSNP rs2550056343, ClinGen allele CA387843805.